The following is an entry in ClinVar:

NM_032444.4(SLX4):c.4721_4722delinsCC (p.Leu1574Pro)

Gene: SLX4 (SLX4 structure-specific endonuclease subunit; minus strand). Cytogenetic location: 16p13.3.
Variant type: Indel.
Coding change: c.4721_4722delinsCC on transcript NM_032444.4 (MANE Select); coding-DNA positions 4721 to 4722, TG replaced by CC.
Protein change: p.Leu1574Pro; replaces leucine 1574 with proline.
Molecular consequence: missense variant.
Genome position (GRCh38, 1-based): chr16:3,584,786-3,584,787, CA replaced by GG on the plus strand (TG replaced by CC on the coding strand, the reverse complement: SLX4 is on the minus strand). VCF-style: chr16-3584786-CA-GG. GRCh37 (hg19) VCF-style: chr16-3634787-CA-GG.
Other names: short protein forms L1574P.
Identifiers: ClinVar variation 1499224 (VCV001499224.6), dbSNP rs2151118023, ClinGen allele CA2573152040.

ClinVar aggregate classification (germline): Uncertain significance (1 of 4 stars; one submission).

Conditions:
Fanconi anemia (FA). Also called: Fanconi's anemia. Identifiers: Orphanet 84, MedGen C0015625, MeSH D005199, MONDO:0019391.

Submission:

Labcorp Genetics (formerly Invitae), Labcorp
Classification: Uncertain significance for Fanconi anemia. Last evaluated: 2021-11-26. Review status: criteria provided, single submitter. Criteria: Invitae Variant Classification Sherloc (09022015). Collection method: clinical testing. Allele origin: germline.
Comment: In summary, the available evidence is currently insufficient to determine the role of this variant in disease. Therefore, it has been classified as a Variant of Uncertain Significance. Algorithms developed to predict the effect of missense changes on protein structure and function are either unavailable or do not agree on the potential impact of this missense change (SIFT: "Not Available"; PolyPhen-2: "Probably Damaging"; Align-GVGD: "Not Available"). This variant has not been reported in the literature in individuals affected with SLX4-related conditions. Information on the frequency of this variant in the gnomAD database is not available, as this variant may be reported differently in the database. This sequence change replaces leucine, which is neutral and non-polar, with proline, which is neutral and non-polar, at codon 1574 of the SLX4 protein (p.Leu1574Pro).